The following is an entry in ClinVar:

ClinVar aggregate classification (germline): Uncertain significance. Review status: criteria provided, multiple submitters, no conflicts (2 of 4 stars). 2 submissions from 2 submitters: Uncertain significance (2). Last evaluated 2025-11-10.

Conditions:
Hereditary cancer-predisposing syndrome. Also called: Tumor predisposition; Hereditary Cancer Syndrome; Hereditary neoplastic syndrome; Neoplastic Syndromes, Hereditary. Identifiers: Orphanet 140162, MedGen C0027672, MeSH D009386, MONDO:0015356.
EGFR-related lung cancer (EGFR). Identifiers: MedGen CN130014.

Allele frequency attached by ClinVar (database versions not stated): gnomAD exomes below 0.00001; TOPMed 0.00001.
gnomAD v4.1: 4 of 1,614,194 alleles (0.00025%); highest among the groups gnomAD compares: East Asian, 0.0045%; no homozygotes.

Submissions (2):

Labcorp Genetics (formerly Invitae), Labcorp
Classification: Uncertain significance for EGFR-related lung cancer. Last evaluated: 2025-11-10. Review status: criteria provided, single submitter. Criteria: Invitae Variant Classification Sherloc (09022015). Collection method: clinical testing. Allele origin: germline.
Comment: This sequence change replaces arginine, which is basic and polar, with cysteine, which is neutral and slightly polar, at codon 932 of the EGFR protein (p.Arg932Cys). This variant is not present in population databases (gnomAD no frequency). This variant has not been reported in the literature in individuals affected with EGFR-related conditions. ClinVar contains an entry for this variant (Variation ID: 1443656). Invitae Evidence Modeling of protein sequence and biophysical properties (such as structural, functional, and spatial information, amino acid conservation, physicochemical variation, residue mobility, and thermodynamic stability) indicates that this missense variant is expected to disrupt EGFR protein function with a positive predictive value of 80%. In summary, the available evidence is currently insufficient to determine the role of this variant in disease. Therefore, it has been classified as a Variant of Uncertain Significance.

Ambry Genetics
Classification: Uncertain significance for Hereditary cancer-predisposing syndrome. Last evaluated: 2025-06-13. Review status: criteria provided, single submitter. Criteria: Ambry Variant Classification Scheme 2023. Collection method: clinical testing. Allele origin: germline.
Comment: The p.R932C variant (also known as c.2794C>T), located in coding exon 23 of the EGFR gene, results from a C to T substitution at nucleotide position 2794. The arginine at codon 932 is replaced by cysteine, an amino acid with highly dissimilar properties. This amino acid position is highly conserved in available vertebrate species. In addition, this alteration is predicted to be deleterious by in silico analysis. Based on the available evidence, the clinical significance of this variant remains unclear.

NM_005228.5(EGFR):c.2794C>T (p.Arg932Cys)

Gene: EGFR (epidermal growth factor receptor; plus strand). Cytogenetic location: 7p11.2.
Variant type: single nucleotide variant.
Coding change: c.2794C>T on transcript NM_005228.5 (MANE Select); coding-DNA position 2794, C replaced by T.
Protein change: p.Arg932Cys; replaces arginine 932 with cysteine.
Molecular consequence: missense variant.
Genome position (GRCh38, 1-based): chr7:55,198,809, C>T. VCF-style: chr7-55198809-C-T. GRCh37 (hg19) VCF-style: chr7-55266502-C-T.
Other names: c.2659C>T, p.Arg887Cys (NM_001346897.2, NM_001346899.2); c.2794C>T, p.Arg932Cys (NM_001346898.2); c.2635C>T, p.Arg879Cys (NM_001346900.2); c.1993C>T, p.Arg665Cys (NM_001346941.2); c.2794C>T (NM_005228.3); short protein forms R887C, R932C, R665C, R879C.
Identifiers: ClinVar variation 1443656 (VCV001443656.6), dbSNP rs1223694747, ClinGen allele CA367581372.